The following is an entry in ClinVar:

NM_144991.3(TSPEAR):c.1549C>T (p.Leu517Phe)

Gene: TSPEAR (thrombospondin type laminin G domain and EAR repeats; minus strand). Cytogenetic location: 21q22.3.
Variant type: single nucleotide variant.
Coding change: c.1549C>T on transcript NM_144991.3 (MANE Select); coding-DNA position 1549, C replaced by T.
Protein change: p.Leu517Phe; replaces leucine 517 with phenylalanine.
Molecular consequence: missense variant.
Genome position (GRCh38, 1-based): chr21:44,521,900, G>A on the plus strand (C>T on the coding strand, the complement: TSPEAR is on the minus strand). VCF-style: chr21-44521900-G-A. GRCh37 (hg19) VCF-style: chr21-45941783-G-A.
Other names: c.1345C>T, p.Leu449Phe (NM_001272037.2); short protein forms L449F, L517F.
Identifiers: ClinVar variation 2989998 (VCV002989998.3), dbSNP rs1446334018, ClinGen allele CA410436495.

ClinVar aggregate classification (germline): Uncertain significance (1 of 4 stars; one submission).

Allele frequency attached by ClinVar (database versions not stated): gnomAD exomes below 0.00001; TOPMed below 0.00001.
gnomAD v4.1: 2 of 1,613,796 alleles (0.00012%); highest among the groups gnomAD compares: Non-Finnish European, 0.00017%; no homozygotes.

Submission:

Labcorp Genetics (formerly Invitae), Labcorp
Classification: Uncertain significance. Last evaluated: 2023-11-10. Review status: criteria provided, single submitter. Criteria: Invitae Variant Classification Sherloc (09022015). Collection method: clinical testing. Allele origin: germline.
Comment: This sequence change replaces leucine, which is neutral and non-polar, with phenylalanine, which is neutral and non-polar, at codon 517 of the TSPEAR protein (p.Leu517Phe). This variant is not present in population databases (gnomAD no frequency). This variant has not been reported in the literature in individuals affected with TSPEAR-related conditions. Advanced modeling of protein sequence and biophysical properties (such as structural, functional, and spatial information, amino acid conservation, physicochemical variation, residue mobility, and thermodynamic stability) performed at Invitae indicates that this missense variant is not expected to disrupt TSPEAR protein function with a negative predictive value of 80%. In summary, the available evidence is currently insufficient to determine the role of this variant in disease. Therefore, it has been classified as a Variant of Uncertain Significance.